The following is an entry in ClinVar:

NM_000246.4(CIITA):c.1002G>T (p.Trp334Cys)

Gene: CIITA (class II major histocompatibility complex transactivator; plus strand). Cytogenetic location: 16p13.13.
Variant type: single nucleotide variant.
Coding change: c.1002G>T on transcript NM_000246.4 (MANE Select); coding-DNA position 1002, G replaced by T.
Protein change: p.Trp334Cys; replaces tryptophan 334 with cysteine.
Molecular consequence: missense variant. On other transcripts: non-coding transcript variant (1).
Genome position (GRCh38, 1-based): chr16:10,904,808, G>T. VCF-style: chr16-10904808-G-T. GRCh37 (hg19) VCF-style: chr16-10998665-G-T.
Other names: c.1005G>T, p.Trp335Cys (NM_001286402.1, NM_001379332.1); c.855G>T, p.Trp285Cys (NM_001286403.2, NM_001379331.1); c.858G>T, p.Trp286Cys (NM_001379330.1); c.1002G>T, p.Trp334Cys (NM_001379333.1); c.933G>T, p.Trp311Cys (NM_001379334.1); short protein forms W286C, W311C, W334C, W335C, W285C.
Identifiers: ClinVar variation 952184 (VCV000952184.8), dbSNP rs758762166, ClinGen allele CA7899995.

ClinVar aggregate classification (germline): Uncertain significance. Review status: criteria provided, multiple submitters, no conflicts (2 of 4 stars). 2 submissions from 2 submitters: Uncertain significance (2). Last evaluated 2025-04-07.

Conditions:
Inborn genetic diseases. Identifiers: MedGen C0950123, MeSH D030342.
MHC class II deficiency. Also called: Bare lymphocyte syndrome 2; BLS, TYPE II. Identifiers: Orphanet 572, MedGen C5447452, MONDO:0008855.

Allele frequency attached by ClinVar (database versions not stated): ExAC 0.00001; gnomAD exomes 0.00001 and 0.00002.
gnomAD v4.1: 6 of 1,614,148 alleles (0.00037%); highest among the groups gnomAD compares: South Asian, 0.0066%; no homozygotes.

Submissions (2):

Ambry Genetics
Classification: Uncertain significance for Inborn genetic diseases. Last evaluated: 2025-04-07. Review status: criteria provided, single submitter. Criteria: Ambry Variant Classification Scheme 2023. Collection method: clinical testing. Allele origin: germline.

Labcorp Genetics (formerly Invitae), Labcorp
Classification: Uncertain significance for MHC class II deficiency. Last evaluated: 2024-10-16. Review status: criteria provided, single submitter. Criteria: Invitae Variant Classification Sherloc (09022015). Collection method: clinical testing. Allele origin: germline.
Comment: This sequence change replaces tryptophan, which is neutral and slightly polar, with cysteine, which is neutral and slightly polar, at codon 334 of the CIITA protein (p.Trp334Cys). This variant is present in population databases (rs758762166, gnomAD 0.01%). This variant has not been reported in the literature in individuals affected with CIITA-related conditions. ClinVar contains an entry for this variant (Variation ID: 952184). An algorithm developed to predict the effect of missense changes on protein structure and function (PolyPhen-2) suggests that this variant is likely to be disruptive. In summary, the available evidence is currently insufficient to determine the role of this variant in disease. Therefore, it has been classified as a Variant of Uncertain Significance.